The following is an entry in ClinVar:

NC_000001.10:g.(?_216011313)_(216011465_?)del

Gene: USH2A (usherin; minus strand). Cytogenetic location: 1q41.
Variant type: Deletion.
Identifiers: ClinVar variation 1457259 (VCV001457259.5).

ClinVar aggregate classification (germline): Pathogenic (1 of 4 stars; one submission).

Submission:

Labcorp Genetics (formerly Invitae), Labcorp
Classification: Pathogenic. Last evaluated: 2023-11-29. Review status: criteria provided, single submitter. Criteria: Invitae Variant Classification Sherloc (09022015). Collection method: clinical testing. Allele origin: germline.
Comment: This variant is a gross deletion of the genomic region encompassing exon(s) 47 of the USH2A gene. This deletion is out-of-frame, and is expected to create a premature termination codon and result in an absent or disrupted protein product. Loss-of-function variants in USH2A are known to be pathogenic (PMID: 10729113, 10909849, 20507924, 25649381). A similar copy number variant has been observed in individuals with Usher syndrome type 2 and retinitis pigmentosa (PMID: 22135276, 28041643). For these reasons, this variant has been classified as Pathogenic.

Literature cited by the submitters: PubMed 10729113; PubMed 10909849; PubMed 20507924; PubMed 25649381; PubMed 22135276; PubMed 28041643.